The following is an entry in ClinVar:

NM_005337.5(NCKAP1L):c.1171A>G (p.Thr391Ala)

Gene: NCKAP1L (NCK associated protein 1 like; plus strand). Cytogenetic location: 12q13.2.
Variant type: single nucleotide variant.
Coding change: c.1171A>G on transcript NM_005337.5 (MANE Select); coding-DNA position 1171, A replaced by G.
Protein change: p.Thr391Ala; replaces threonine 391 with alanine.
Molecular consequence: missense variant.
Genome position (GRCh38, 1-based): chr12:54,517,608, A>G. VCF-style: chr12-54517608-A-G. GRCh37 (hg19) VCF-style: chr12-54911392-A-G.
Other names: c.1021A>G, p.Thr341Ala (NM_001184976.2); c.1171A>G (NM_005337.4); short protein forms T341A, T391A.
Identifiers: ClinVar variation 2047031 (VCV002047031.3), dbSNP rs7311877, ClinGen allele CA6609070.
Genomic context (GRCh38, chr12:54,517,608, plus strand): 5'-ATGGCCCTGTCCTTCATTCGTGATGAGGTCACCTGGCTGGTTCGCCACACAGAGAATGTC[A>G]CCAAGACAAAGACACCTGAGGACTATGCTGACTCGTTAGTACTTGACATGGCTAAGAACC-3'
Protein context (NP_005328.2, residues 381-401): TWLVRHTENV[Thr391Ala]KTKTPEDYAD

ClinVar aggregate classification (germline): Uncertain significance. Review status: criteria provided, single submitter (1 of 4 stars). 2 submissions from 2 submitters: Uncertain significance (1). 1 of the submissions does not count toward it. Last evaluated 2022-10-13.

Conditions:
NCKAP1L-related disorder. Also called: NCKAP1L-related condition.

Allele frequency attached by ClinVar (database versions not stated): gnomAD 0.00092; TOPMed 0.00099; ExAC 0.00119; ESP Exome Variant Server 0.00123; 1000 Genomes Project 30x 0.00141; 1000 Genomes Project 0.00180.

Submissions (2):

Labcorp Genetics (formerly Invitae), Labcorp
Classification: Uncertain significance. Last evaluated: 2022-10-13. Review status: criteria provided, single submitter. Criteria: Invitae Variant Classification Sherloc (09022015). Collection method: clinical testing. Allele origin: germline.
Comment: This sequence change replaces threonine, which is neutral and polar, with alanine, which is neutral and non-polar, at codon 391 of the NCKAP1L protein (p.Thr391Ala). This variant is present in population databases (rs7311877, gnomAD 0.2%), and has an allele count higher than expected for a pathogenic variant. This variant has not been reported in the literature in individuals affected with NCKAP1L-related conditions. Algorithms developed to predict the effect of missense changes on protein structure and function (SIFT, PolyPhen-2, Align-GVGD) all suggest that this variant is likely to be tolerated. In summary, the available evidence is currently insufficient to determine the role of this variant in disease. Therefore, it has been classified as a Variant of Uncertain Significance.

PreventionGenetics, part of Exact Sciences
Classification: Likely benign for NCKAP1L-related condition. Last evaluated: 2023-07-27. Review status: no assertion criteria provided. Collection method: clinical testing. Allele origin: germline. Not counted in ClinVar's aggregate classification.
Comment: This variant is classified as likely benign based on ACMG/AMP sequence variant interpretation guidelines (Richards et al. 2015 PMID: 25741868, with internal and published modifications).